The following is an entry in ClinVar:

NM_000393.5(COL5A2):c.4179A>G (p.Leu1393=)

Gene: COL5A2 (collagen type V alpha 2 chain; minus strand). Cytogenetic location: 2q32.2.
Variant type: single nucleotide variant.
Coding change: c.4179A>G on transcript NM_000393.5 (MANE Select); coding-DNA position 4179, A replaced by G.
Protein change: p.Leu1393=; no amino-acid change (leucine 1393 retained).
Molecular consequence: synonymous variant.
Genome position (GRCh38, 1-based): chr2:189,035,090, T>C on the plus strand (A>G on the coding strand, the complement: COL5A2 is on the minus strand). VCF-style: chr2-189035090-T-C. GRCh37 (hg19) VCF-style: chr2-189899816-T-C.
Other names: c.4179A>G (NM_000393.3).
Identifiers: ClinVar variation 1097061 (VCV001097061.12), dbSNP rs200888890, ClinGen allele CA430442463.

ClinVar aggregate classification (germline): Likely benign. Review status: criteria provided, multiple submitters, no conflicts (2 of 4 stars). 3 submissions from 3 submitters: Likely benign (3). Last evaluated 2026-09-01.

Conditions:
Familial thoracic aortic aneurysm and aortic dissection (TAAD). Also called: Thoracic aortic aneurysms and dissections. Identifiers: Orphanet 91387, MedGen C4707243, MONDO:0019625.
Ehlers-Danlos syndrome, classic type, 1 (EDSCL1). Also called: Ehlers-Danlos Syndrome, Classic Type, COL5A1-Related; EHLERS-DANLOS SYNDROME, GRAVIS TYPE; EHLERS-DANLOS SYNDROME, SEVERE CLASSIC TYPE; EDS I; Ehlers-Danlos syndrome, type 1. Identifiers: MedGen C0268335, MONDO:0019567, OMIM 130000.

gnomAD v4.1: 13 of 1,613,768 alleles (0.00081%); highest among the groups gnomAD compares: Admixed American, 0.0017%; no homozygotes.

Submissions (3):

CeGaT Center for Human Genetics Tuebingen
Classification: Likely benign. Last evaluated: 2026-09-01. Review status: criteria provided, single submitter. Criteria: CeGaT Center For Human Genetics Tuebingen Variant Classification Criteria Version 2. Collection method: clinical testing. Allele origin: germline. Affected: yes. Observed: 1 variant allele.
Comment: COL5A2: BP4, BP7

Ambry Genetics
Classification: Likely benign for Familial thoracic aortic aneurysm and aortic dissection. Last evaluated: 2025-05-24. Review status: criteria provided, single submitter. Criteria: Ambry Variant Classification Scheme 2023. Collection method: clinical testing. Allele origin: germline.

Labcorp Genetics (formerly Invitae), Labcorp
Classification: Likely benign for Ehlers-Danlos syndrome, classic type, 1. Last evaluated: 2023-04-10. Review status: criteria provided, single submitter. Criteria: Invitae Variant Classification Sherloc (09022015). Collection method: clinical testing. Allele origin: germline.